The following is an entry in ClinVar:

ClinVar aggregate classification (germline): Uncertain significance. Review status: criteria provided, multiple submitters, no conflicts (2 of 4 stars). 2 submissions from 2 submitters: Uncertain significance (2). Last evaluated 2025-05-19.

Conditions:
Primary ciliary dyskinesia 28. Also called: CILIARY DYSKINESIA, PRIMARY, 28, WITH OR WITHOUT SITUS INVERSUS. Identifiers: Orphanet 244, MedGen C3809706, MONDO:0014216, OMIM 615505.
Primary ciliary dyskinesia. Also called: Ciliary dyskinesia. Identifiers: Orphanet 244, MedGen C0008780, MONDO:0016575, HP:0012265.

Allele frequency attached by ClinVar (database versions not stated): gnomAD exomes below 0.00001.
gnomAD v4.1: 1 of 1,313,184 alleles (0.000076%); highest among the groups gnomAD compares: South Asian, 0.0019%; no homozygotes.

Submissions (2):

Ambry Genetics
Classification: Uncertain significance for Primary ciliary dyskinesia. Last evaluated: 2025-05-19. Review status: criteria provided, single submitter. Criteria: Ambry Variant Classification Scheme 2023. Collection method: clinical testing. Allele origin: germline.

Labcorp Genetics (formerly Invitae), Labcorp
Classification: Uncertain significance for Primary ciliary dyskinesia 28. Last evaluated: 2020-01-29. Review status: criteria provided, single submitter. Criteria: Invitae Variant Classification Sherloc (09022015). Collection method: clinical testing. Allele origin: germline.
Comment: In summary, the available evidence is currently insufficient to determine the role of this variant in disease. Therefore, it has been classified as a Variant of Uncertain Significance. Algorithms developed to predict the effect of missense changes on protein structure and function output the following: SIFT: "Tolerated"; PolyPhen-2: "Benign"; Align-GVGD: "Class C0". The glycine amino acid residue is found in multiple mammalian species, suggesting that this missense change does not adversely affect protein function. These predictions have not been confirmed by published functional studies and their clinical significance is uncertain. This variant has not been reported in the literature in individuals with SPAG1-related conditions. The frequency data for this variant in the population databases is considered unreliable, as metrics indicate insufficient coverage at this position in the ExAC database. This sequence change replaces arginine with glycine at codon 417 of the SPAG1 protein (p.Arg417Gly). The arginine residue is weakly conserved and there is a moderate physicochemical difference between arginine and glycine.

NM_003114.5(SPAG1):c.1249C>G (p.Arg417Gly)

Genes: SPAG1 (sperm associated antigen 1; plus strand), LOC130000832 (ATAC-STARR-seq lymphoblastoid silent region 19412; plus strand). Cytogenetic location: 8q22.2.
Variant type: single nucleotide variant.
Coding change: c.1249C>G on transcript NM_003114.5 (MANE Select); coding-DNA position 1249, C replaced by G.
Protein change: p.Arg417Gly; replaces arginine 417 with glycine.
Molecular consequence: missense variant.
Genome position (GRCh38, 1-based): chr8:100,213,242, C>G. VCF-style: chr8-100213242-C-G. GRCh37 (hg19) VCF-style: chr8-101225470-C-G.
Other names: c.1249C>G (NM_172218.2); c.1249C>G, p.Arg417Gly (NM_001374321.1, NM_172218.3); short protein forms R417G.
Identifiers: ClinVar variation 1055060 (VCV001055060.10), dbSNP rs1464845313, ClinGen allele CA371809077.